The following is an entry in ClinVar:

ClinVar aggregate classification (germline): Uncertain significance. Review status: criteria provided, multiple submitters, no conflicts (2 of 4 stars). 2 submissions from 2 submitters: Uncertain significance (2). Last evaluated 2025-02-09.

Conditions:
Hereditary cancer-predisposing syndrome. Also called: Neoplastic Syndromes, Hereditary; Hereditary neoplastic syndrome; Tumor predisposition; Hereditary Cancer Syndrome. Identifiers: Orphanet 140162, MedGen C0027672, MeSH D009386, MONDO:0015356.

Submissions (2):

Ambry Genetics
Classification: Uncertain significance for Hereditary cancer-predisposing syndrome. Last evaluated: 2025-02-09. Review status: criteria provided, single submitter. Criteria: Ambry Variant Classification Scheme 2023. Collection method: clinical testing. Allele origin: germline.
Comment: The p.P1079A variant (also known as c.3235C>G), located in coding exon 23 of the MSH3 gene, results from a C to G substitution at nucleotide position 3235. The proline at codon 1079 is replaced by alanine, an amino acid with highly similar properties. This amino acid position is conserved. In addition, this alteration is predicted to be deleterious by in silico analysis. Based on the available evidence, the clinical significance of this variant remains unclear.

Labcorp Genetics (formerly Invitae), Labcorp
Classification: Uncertain significance. Last evaluated: 2023-08-09. Review status: criteria provided, single submitter. Criteria: Invitae Variant Classification Sherloc (09022015). Collection method: clinical testing. Allele origin: germline.
Comment: This variant has not been reported in the literature in individuals affected with MSH3-related conditions. This variant is not present in population databases (gnomAD no frequency). In summary, the available evidence is currently insufficient to determine the role of this variant in disease. Therefore, it has been classified as a Variant of Uncertain Significance. An algorithm developed to predict the effect of missense changes on protein structure and function (PolyPhen-2) suggests that this variant is likely to be disruptive. This sequence change replaces proline, which is neutral and non-polar, with alanine, which is neutral and non-polar, at codon 1079 of the MSH3 protein (p.Pro1079Ala).

NM_002439.5(MSH3):c.3235C>G (p.Pro1079Ala)

Gene: MSH3 (mutS homolog 3; plus strand). Cytogenetic location: 5q14.1.
Variant type: single nucleotide variant.
Coding change: c.3235C>G on transcript NM_002439.5 (MANE Select); coding-DNA position 3235, C replaced by G.
Protein change: p.Pro1079Ala; replaces proline 1079 with alanine.
Molecular consequence: missense variant.
Genome position (GRCh38, 1-based): chr5:80,873,220, C>G. VCF-style: chr5-80873220-C-G. GRCh37 (hg19) VCF-style: chr5-80169039-C-G.
Other names: c.3235C>G (NM_002439.3); short protein forms P1079A.
Identifiers: ClinVar variation 2886516 (VCV002886516.4), dbSNP rs2112128807, ClinGen allele CA360346999.